The following is an entry in ClinVar:

ClinVar aggregate classification (germline): Conflicting classifications of pathogenicity. Review status: criteria provided, conflicting classifications (1 of 4 stars). 4 submissions from 4 submitters: Likely pathogenic (2); Uncertain significance (2). Last evaluated 2025-05-28.

Conditions:
Early-infantile DEE. Also called: Ohtahara syndrome; Early infantile epileptic encephalopathy with suppression bursts; Early infantile epileptic encephalopathy. Identifiers: Orphanet 1934, MedGen C0393706, MONDO:0800491.
Developmental and epileptic encephalopathy, 7 (DEE7). Also called: KCNQ2-Related Neonatal-Onset Developmental and Epileptic Encephalopathy (NEO-DEE); Early infantile epileptic encephalopathy 7; KCNQ2-Related Neonatal Epileptic Encephalopathy. Identifiers: Orphanet 439218, MedGen C3150986, MONDO:0013387, OMIM 613720.

Allele frequency attached by ClinVar (database versions not stated): ExAC 0.00002.
gnomAD v4.1: 3 of 1,613,518 alleles (0.00019%); highest among the groups gnomAD compares: South Asian, 0.0011%; no homozygotes.

Submissions (4):

GeneDx
Classification: Uncertain significance. Last evaluated: 2025-05-28. Review status: criteria provided, single submitter. Criteria: GeneDx Variant Classification Process June 2021. Collection method: clinical testing. Allele origin: germline. Affected: yes.
Comment: In silico analysis supports that this missense variant has a deleterious effect on protein structure/function; Has not been previously published as pathogenic or benign to our knowledge; This variant is associated with the following publications: (PMID: 27602407)

CeGaT Center for Human Genetics Tuebingen
Classification: Likely pathogenic. Last evaluated: 2024-08-01. Review status: criteria provided, single submitter. Criteria: CeGaT Center For Human Genetics Tuebingen Variant Classification Criteria Version 2. Collection method: clinical testing. Allele origin: germline. Affected: yes. Observed: 1 variant allele.
Comment: KCNQ2: PM1, PM2, PP2, PP3

Labcorp Genetics (formerly Invitae), Labcorp
Classification: Uncertain significance for Early-infantile DEE. Last evaluated: 2023-04-11. Review status: criteria provided, single submitter. Criteria: Invitae Variant Classification Sherloc (09022015). Collection method: clinical testing. Allele origin: germline.
Comment: In summary, the available evidence is currently insufficient to determine the role of this variant in disease. Therefore, it has been classified as a Variant of Uncertain Significance. An algorithm developed to predict the effect of missense changes on protein structure and function (PolyPhen-2) suggests that this variant is likely to be disruptive. ClinVar contains an entry for this variant (Variation ID: 813775). This variant has not been reported in the literature in individuals affected with KCNQ2-related conditions. This variant is present in population databases (rs776422347, gnomAD 0.003%). This sequence change replaces valine, which is neutral and non-polar, with methionine, which is neutral and non-polar, at codon 564 of the KCNQ2 protein (p.Val564Met).

Cytogénomique, Hospices Civils de Lyon
Classification: Likely pathogenic for Developmental and epileptic encephalopathy, 7. Last evaluated: 2017-08-11. Review status: criteria provided, single submitter. Criteria: ACMG Guidelines, 2015. Collection method: clinical testing. Allele origin: unknown. Inheritance: Autosomal dominant inheritance. Affected: yes.

NM_172107.4(KCNQ2):c.1690G>A (p.Val564Met)

Gene: KCNQ2 (potassium voltage-gated channel subfamily Q member 2; minus strand). Cytogenetic location: 20q13.33.
Variant type: single nucleotide variant.
Coding change: c.1690G>A on transcript NM_172107.4 (MANE Select); coding-DNA position 1690, G replaced by A.
Protein change: p.Val564Met; replaces valine 564 with methionine.
Molecular consequence: missense variant.
Genome position (GRCh38, 1-based): chr20:63,413,523, C>T on the plus strand (G>A on the coding strand, the complement: KCNQ2 is on the minus strand). VCF-style: chr20-63413523-C-T. GRCh37 (hg19) VCF-style: chr20-62044876-C-T.
Other names: c.1606G>A, p.Val536Met (NM_004518.6); c.1636G>A, p.Val546Met (NM_172106.3); c.1597G>A, p.Val533Met (NM_172108.5); short protein forms V546M, V536M, V533M, V564M.
Identifiers: ClinVar variation 813775 (VCV000813775.23), dbSNP rs776422347, ClinGen allele CA9958327.
Genomic context (GRCh38, chr20:63,413,523, plus strand): 5'-TCTTAATTCGGGACAGCATGTCCAGGTGGCCGGCTGAGTACTGCTCGATGACGTCCATCA[C>T]GTCGTAGGGCCGCAGGCTCTCCTTGAACTTCCGCTTGGACACCAGGAACCGCATGACACT-3'
Protein context (NP_742105.1, residues 554-574): KFKESLRPYD[Val564Met]MDVIEQYSAG